The following is an entry in ClinVar:

ClinVar aggregate classification (germline): Uncertain significance (1 of 4 stars; one submission).

Allele frequency attached by ClinVar (database versions not stated): gnomAD exomes below 0.00001.
gnomAD v4.1: 6 of 1,614,164 alleles (0.00037%); highest among the groups gnomAD compares: East Asian, 0.0022%; no homozygotes.

Submission:

Labcorp Genetics (formerly Invitae), Labcorp
Classification: Uncertain significance. Last evaluated: 2024-12-02. Review status: criteria provided, single submitter. Criteria: Invitae Variant Classification Sherloc (09022015). Collection method: clinical testing. Allele origin: germline.
Comment: This sequence change replaces glutamic acid, which is acidic and polar, with lysine, which is basic and polar, at codon 1862 of the CACNA1D protein (p.Glu1862Lys). This variant is present in population databases (no rsID available, gnomAD 0.003%). This variant has not been reported in the literature in individuals affected with CACNA1D-related conditions. ClinVar contains an entry for this variant (Variation ID: 1953192). An algorithm developed to predict the effect of missense changes on protein structure and function (PolyPhen-2) suggests that this variant is likely to be tolerated. In summary, the available evidence is currently insufficient to determine the role of this variant in disease. Therefore, it has been classified as a Variant of Uncertain Significance.

NM_001128840.3(CACNA1D):c.5524G>A (p.Glu1842Lys)

Gene: CACNA1D (calcium voltage-gated channel subunit alpha1 D; plus strand). Cytogenetic location: 3p21.1.
Variant type: single nucleotide variant.
Coding change: c.5524G>A on transcript NM_001128840.3 (MANE Select); coding-DNA position 5524, G replaced by A.
Protein change: p.Glu1842Lys; replaces glutamic acid 1842 with lysine.
Molecular consequence: missense variant.
Genome position (GRCh38, 1-based): chr3:53,803,511, G>A. VCF-style: chr3-53803511-G-A. GRCh37 (hg19) VCF-style: chr3-53837538-G-A.
Other names: c.5584G>A, p.Glu1862Lys (NM_000720.4); c.5452G>A, p.Glu1818Lys (NM_001128839.3); short protein forms E1842K, E1818K, E1862K.
Identifiers: ClinVar variation 1953192 (VCV001953192.5), dbSNP rs1377340366, ClinGen allele CA353253672.
Genomic context (GRCh38, chr3:53,803,511, plus strand): 5'-ACTATTTGCCGGGAAGACCCAGAGATACATGGCTATTTCAGGGACCCCCACTGCTTGGGG[G>A]AGCAGGAGTATTTCAGTAGTGAGGAATGCTACGAGGATGACAGCTCGCCCACCTGGAGCA-3'
Protein context (NP_001122312.1, residues 1832-1852): GYFRDPHCLG[Glu1842Lys]QEYFSSEECY